The following is an entry in ClinVar:

NM_006618.5(KDM5B):c.492C>T (p.Gly164=)

Gene: KDM5B (lysine demethylase 5B; minus strand). Cytogenetic location: 1q32.1.
Variant type: single nucleotide variant.
Coding change: c.492C>T on transcript NM_006618.5 (MANE Select); coding-DNA position 492, C replaced by T.
Protein change: p.Gly164=; no amino-acid change (glycine 164 retained).
Molecular consequence: synonymous variant.
Genome position (GRCh38, 1-based): chr1:202,773,202, G>A on the plus strand (C>T on the coding strand, the complement: KDM5B is on the minus strand). VCF-style: chr1-202773202-G-A. GRCh37 (hg19) VCF-style: chr1-202742330-G-A.
Other names: c.492C>T, p.Gly164= (NM_001314042.2, NM_001347591.2); c.477C>T, p.Gly159= (NM_001399817.1).
Identifiers: ClinVar variation 5041476 (VCV005041476.1).

ClinVar aggregate classification (germline): Likely benign (1 of 4 stars; one submission).

gnomAD v4.1: 19 of 1,613,592 alleles (0.0012%); highest among the groups gnomAD compares: Admixed American, 0.027%; no homozygotes.

Submission:

CeGaT Center for Human Genetics Tuebingen
Classification: Likely benign. Last evaluated: 2026-09-01. Review status: criteria provided, single submitter. Criteria: CeGaT Center For Human Genetics Tuebingen Variant Classification Criteria Version 2. Collection method: clinical testing. Allele origin: germline. Affected: yes. Observed: 1 variant allele.
Comment: KDM5B: BP4, BP7